The following is an entry in ClinVar:

NM_000059.4(BRCA2):c.2434A>G (p.Asn812Asp)

Gene: BRCA2 (BRCA2 DNA repair associated; plus strand). Cytogenetic location: 13q13.1.
Variant type: single nucleotide variant.
Coding change: c.2434A>G on transcript NM_000059.4 (MANE Select); coding-DNA position 2434, A replaced by G.
Protein change: p.Asn812Asp; replaces asparagine 812 with aspartic acid.
Molecular consequence: missense variant.
Genome position (GRCh38, 1-based): chr13:32,336,789, A>G. VCF-style: chr13-32336789-A-G. GRCh37 (hg19) VCF-style: chr13-32910926-A-G.
Other names: c.2434A>G, p.Asn812Asp (NM_001406719.1, NM_001406720.1); short protein forms N812D.
Identifiers: ClinVar variation 1791206 (VCV001791206.4), dbSNP rs2137486429, ClinGen allele CA387772186.
Genomic context (GRCh38, chr13:32,336,789, plus strand): 5'-TACAAAATGTCAGACAAGCTCAAAGGTAACAATTATGAATCTGATGTTGAATTAACCAAA[A>G]ATATTCCCATGGAAAAGAATCAAGATGTATGTGCTTTAAATGAAAATTATAAAAACGTTG-3'
Protein context (NP_000050.3, residues 802-822): NYESDVELTK[Asn812Asp]IPMEKNQDVC

ClinVar aggregate classification (germline): Conflicting classifications of pathogenicity. Review status: criteria provided, conflicting classifications (1 of 4 stars). 2 submissions from 2 submitters: Uncertain significance (1); Likely benign (1). Last evaluated 2023-03-23.

Conditions:
Hereditary cancer-predisposing syndrome. Also called: Hereditary Cancer Syndrome; Hereditary neoplastic syndrome; Tumor predisposition; Neoplastic Syndromes, Hereditary. Identifiers: Orphanet 140162, MedGen C0027672, MeSH D009386, MONDO:0015356.

Submissions (2):

University of Washington Department of Laboratory Medicine, University of Washington
Classification: Likely benign for Hereditary cancer-predisposing syndrome. Last evaluated: 2023-03-23. Review status: criteria provided, single submitter. Criteria: Dines et al. (Genet Med. 2020). Collection method: curation. Allele origin: germline.
Comment: Missense variant in a coldspot region where missense variants are very unlikely to be pathogenic (PMID:31911673).

BRCA2 exon 11 coldspot. Reclassification based on statistical prior probability.

Ambry Genetics
Classification: Uncertain significance for Hereditary cancer-predisposing syndrome. Last evaluated: 2022-08-24. Review status: criteria provided, single submitter. Criteria: Ambry Variant Classification Scheme 2023. Collection method: clinical testing. Allele origin: germline.
Comment: The p.N812D variant (also known as c.2434A>G), located in coding exon 10 of the BRCA2 gene, results from an A to G substitution at nucleotide position 2434. The asparagine at codon 812 is replaced by aspartic acid, an amino acid with highly similar properties. This amino acid position is conserved. In addition, this alteration is predicted to be tolerated by in silico analysis. Since supporting evidence is limited at this time, the clinical significance of this alteration remains unclear.